The following is an entry in ClinVar:

ClinVar aggregate classification (germline): Likely benign (0 of 4 stars; one submission).

Conditions:
RORB-related disorder. Also called: RORB-related condition.

Allele frequency attached by ClinVar (database versions not stated): gnomAD exomes 0.00001; 1000 Genomes Project 30x 0.00031.
gnomAD v4.1: 7 of 453,836 alleles (0.0015%); highest among the groups gnomAD compares: East Asian, 0.007%; no homozygotes.

Submission:

PreventionGenetics, part of Exact Sciences
Classification: Likely benign for RORB-related condition. Last evaluated: 2019-05-10. Review status: no assertion criteria provided. Collection method: clinical testing. Allele origin: germline.
Comment: This variant is classified as likely benign based on ACMG/AMP sequence variant interpretation guidelines (Richards et al. 2015 PMID: 25741868, with internal and published modifications).

NM_006914.4(RORB):c.8-14688G>A

Gene: RORB (RAR related orphan receptor B; plus strand). Cytogenetic location: 9q21.13.
Variant type: single nucleotide variant.
Coding change: c.8-14688G>A on transcript NM_006914.4 (MANE Select); 14688 bases into the intron before coding-DNA position 8, G replaced by A.
Molecular consequence: intron variant. On other transcripts: 5 prime UTR variant (1).
Genome position (GRCh38, 1-based): chr9:74,615,594, G>A. VCF-style: chr9-74615594-G-A. GRCh37 (hg19) VCF-style: chr9-77230510-G-A.
Other names: c.-6G>A (NM_001365023.1).
Identifiers: ClinVar variation 3041940 (VCV003041940.2), dbSNP rs1360780761, ClinGen allele CA588566125.